The following is an entry in ClinVar:

NM_016507.4(CDK12):c.4188G>T (p.Gln1396His)

Gene: CDK12 (cyclin dependent kinase 12; plus strand). Cytogenetic location: 17q12.
Variant type: single nucleotide variant.
Coding change: c.4188G>T on transcript NM_016507.4 (MANE Select); coding-DNA position 4188, G replaced by T.
Protein change: p.Gln1396His; replaces glutamine 1396 with histidine.
Molecular consequence: missense variant.
Genome position (GRCh38, 1-based): chr17:39,531,031, G>T. VCF-style: chr17-39531031-G-T. GRCh37 (hg19) VCF-style: chr17-37687284-G-T.
Other names: c.4161G>T, p.Gln1387His (NM_015083.4); short protein forms Q1387H, Q1396H.
Identifiers: ClinVar variation 3830710 (VCV003830710.1).

ClinVar aggregate classification (germline): Uncertain significance (1 of 4 stars; one submission).

Submission:

Ambry Genetics
Classification: Uncertain significance. Last evaluated: 2025-02-24. Review status: criteria provided, single submitter. Criteria: Ambry Variant Classification Scheme 2023. Collection method: clinical testing. Allele origin: germline.
Comment: The p.Q1396H variant (also known as c.4188G>T), located in coding exon 14 of the CDK12 gene, results from a G to T substitution at nucleotide position 4188. The glutamine at codon 1396 is replaced by histidine, an amino acid with highly similar properties. This amino acid position is conserved. In addition, the in silico prediction for this alteration is inconclusive. Based on the available evidence, the clinical significance of this variant remains unclear.